The following is an entry in ClinVar:

NM_001375808.2(LPIN2):c.2174+218_2174+219del

Gene: LPIN2 (lipin 2; minus strand). Cytogenetic location: 18p11.31.
Variant type: Microsatellite.
Coding change: c.2174+218_2174+219del on transcript NM_001375808.2 (MANE Select); bases 218 to 219 of the intron after coding-DNA position 2174, 2 bases deleted (GT; older notation c.2174+218_2174+219delGT).
Molecular consequence: intron variant.
Genome position (GRCh38, 1-based): chr18:2,923,556-2,923,557, AC deleted on the plus strand (GT on the coding strand, the reverse complement: LPIN2 is on the minus strand); deleting any 2 consecutive bases within chr18:2,923,556-2,923,560 gives the same sequence; the c. name uses the placement nearest the transcript's 3' end. VCF-style (leftmost placement, unchanged base first): chr18-2923555-AAC-A. GRCh37 (hg19) VCF-style: chr18-2923553-AAC-A.
Other names: c.2174+218_2174+219del (NM_014646.2, NM_001375809.1); c.2174+218_2174+219delGT (NM_014646.2).
Identifiers: ClinVar variation 678208 (VCV000678208.1), dbSNP rs533090312, ClinGen allele CA295494900.

ClinVar aggregate classification (germline): Likely benign (1 of 4 stars; one submission).

Submission:

GeneDx
Classification: Likely benign. Last evaluated: 2018-06-14. Review status: criteria provided, single submitter. Criteria: GeneDx Variant Classification (06012015). Collection method: clinical testing. Allele origin: germline. Affected: yes.
Comment: This variant is considered likely benign or benign based on one or more of the following criteria: it is a conservative change, it occurs at a poorly conserved position in the protein, it is predicted to be benign by multiple in silico algorithms, and/or has population frequency not consistent with disease.